The following is an entry in ClinVar:

ClinVar aggregate classification (germline): Conflicting classifications of pathogenicity. Review status: criteria provided, conflicting classifications (1 of 4 stars). 3 submissions from 3 submitters: Pathogenic (1); Likely pathogenic (1); Uncertain significance (1). Last evaluated 2025-06-17.

Conditions:
Seckel syndrome 6 (SCKL6). Identifiers: MedGen C3553582, MONDO:0013871, OMIM 614728.

Submissions (3):

First Genomix Gene Laboratory, Genetic Diagnostics Department
Classification: Likely pathogenic for Seckel syndrome 6. Last evaluated: 2025-06-17. Review status: criteria provided, single submitter. Criteria: ACMG Guidelines, 2015. Collection method: clinical testing. Allele origin: germline. Inheritance: Autosomal recessive inheritance. Affected: no. Observed: 1 variant allele.

Labcorp Genetics (formerly Invitae), Labcorp
Classification: Pathogenic. Last evaluated: 2025-04-17. Review status: criteria provided, single submitter. Criteria: Invitae Variant Classification Sherloc (09022015). Collection method: clinical testing. Allele origin: germline.
Comment: This sequence change creates a premature translational stop signal (p.Asp330Valfs*6) in the CEP63 gene. It is expected to result in an absent or disrupted protein product. Loss-of-function variants in CEP63 are known to be pathogenic (PMID: 21983783, 23936128, 26158450). This variant is not present in population databases (gnomAD no frequency). This variant has not been reported in the literature in individuals affected with CEP63-related conditions. ClinVar contains an entry for this variant (Variation ID: 210705). Algorithms developed to predict the effect of sequence changes on RNA splicing suggest that this variant may disrupt the consensus splice site. For these reasons, this variant has been classified as Pathogenic.

Genetic Services Laboratory, University of Chicago
Classification: Uncertain significance. Last evaluated: 2014-11-14. Review status: criteria provided, single submitter. Criteria: ACMG Guidelines, 2015. Collection method: clinical testing. Allele origin: germline.

Literature cited by the submitters: PubMed 21983783 (cited by Labcorp Genetics (formerly Invitae), Labcorp); PubMed 23936128 (cited by Labcorp Genetics (formerly Invitae), Labcorp); PubMed 26158450 (cited by Labcorp Genetics (formerly Invitae), Labcorp).

NM_001353108.3(CEP63):c.989_992del (p.Asp330fs)

Gene: CEP63 (centrosomal protein 63; plus strand). Cytogenetic location: 3q22.2.
Variant type: Deletion.
Coding change: c.989_992del on transcript NM_001353108.3 (MANE Select); coding-DNA positions 989 to 992, 4 bases deleted (ACAG; older notation c.989_992delACAG).
Protein change: p.Asp330fs; shifts the reading frame from aspartic acid 330.
Molecular consequence: frameshift variant. On other transcripts: non-coding transcript variant (1), intron variant (12).
Genome position (GRCh38, 1-based): chr3:134,547,394-134,547,397, ACAG deleted; deleting any 4 consecutive bases within chr3:134,547,392-134,547,397 gives the same sequence; the c. name uses the placement nearest the transcript's 3' end. VCF-style (leftmost placement, unchanged base first): chr3-134547391-TAGAC-T. GRCh37 (hg19) VCF-style: chr3-134266233-TAGAC-T.
Other names: c.989_992delACAG (NM_025180.5); c.989_992del, p.Asp330fs (NM_001042400.3, NM_001353110.1, NM_001353111.2 and 4 more transcripts); c.929+1106_929+1109del (NM_001042384.2, NM_001353122.1, NM_001353109.1 and 6 more transcripts); c.956+1106_956+1109del (NM_001353118.1); c.566+1106_566+1109del (NM_001353126.2); c.845+1106_845+1109del (NM_001353125.2); short protein forms D330fs.
Identifiers: ClinVar variation 210705 (VCV000210705.12), dbSNP rs797045459, ClinGen allele CA206851.